The following is an entry in ClinVar:

ClinVar aggregate classification (germline): Benign/Likely benign. Review status: criteria provided, multiple submitters, no conflicts (2 of 4 stars). 3 submissions from 3 submitters: Benign (1); Likely benign (2). Last evaluated 2024-11-26.

Conditions:
Hereditary cancer-predisposing syndrome. Also called: Hereditary Cancer Syndrome; Neoplastic Syndromes, Hereditary; Hereditary neoplastic syndrome; Tumor predisposition. Identifiers: Orphanet 140162, MedGen C0027672, MeSH D009386, MONDO:0015356.
Familial cancer of breast. Also called: Hereditary breast cancer; hereditary breast carcinoma; BREAST CANCER, FAMILIAL. Identifiers: Orphanet 227535, MedGen C0346153, MONDO:0016419, OMIM 114480. Disease mechanism: loss of function.
Ataxia-telangiectasia syndrome (AT). Also called: Cerebello-oculocutaneous telangiectasia; Immunodeficiency with ataxia telangiectasia; Ataxia-telangiectasia, complementation group E; Ataxia-telangiectasia, complementation group D; AT, COMPLEMENTATION GROUP C; ATAXIA-TELANGIECTASIA, COMPLEMENTATION GROUP A. Identifiers: Orphanet 100, MedGen C0004135, MONDO:0008840, OMIM 208900.

Allele frequency attached by ClinVar (database versions not stated): gnomAD exomes below 0.00001.
gnomAD v4.1: 2 of 1,613,788 alleles (0.00012%); highest among the groups gnomAD compares: Non-Finnish European, 0.00017%; no homozygotes.

Submissions (3):

Labcorp Genetics (formerly Invitae), Labcorp
Classification: Likely benign for Ataxia-telangiectasia syndrome. Last evaluated: 2024-11-26. Review status: criteria provided, single submitter. Criteria: Invitae Variant Classification Sherloc (09022015). Collection method: clinical testing. Allele origin: germline.

Myriad Genetics, Inc.
Classification: Benign for Familial cancer of breast. Last evaluated: 2024-05-08. Review status: criteria provided, single submitter. Criteria: Myriad Autosomal Dominant, Autosomal Recessive and X-Linked Classification Criteria (2023). Collection method: clinical testing. Allele origin: unknown.
Comment: This variant is considered benign. This variant is a silent/synonymous amino acid change and it is not expected to impact splicing.

Ambry Genetics
Classification: Likely benign for Hereditary cancer-predisposing syndrome. Last evaluated: 2019-07-29. Review status: criteria provided, single submitter. Criteria: Ambry Variant Classification Scheme 2023. Collection method: clinical testing. Allele origin: germline.

NM_000051.4(ATM):c.2403C>T (p.Gly801=)

Gene: ATM (ATM serine/threonine kinase; plus strand). Cytogenetic location: 11q22.3.
Variant type: single nucleotide variant.
Coding change: c.2403C>T on transcript NM_000051.4 (MANE Select); coding-DNA position 2403, C replaced by T.
Protein change: p.Gly801=; no amino-acid change (glycine 801 retained).
Molecular consequence: synonymous variant.
Genome position (GRCh38, 1-based): chr11:108,259,012, C>T. VCF-style: chr11-108259012-C-T. GRCh37 (hg19) VCF-style: chr11-108129739-C-T.
Other names: c.2403C>T, p.Gly801= (NM_001351834.2).
Identifiers: ClinVar variation 821225 (VCV000821225.7), dbSNP rs1264455310, ClinGen allele CA476672852.